The following is an entry in ClinVar:

ClinVar aggregate classification (germline): Likely pathogenic. Review status: reviewed by expert panel (3 of 4 stars). 8 submissions from 8 submitters: Likely pathogenic (1). 7 of the submissions do not count toward it. Last evaluated 2020-02-23.

Conditions:
Phenylketonuria (PKU). Also called: Phenylketonuria (PKU); OLIGOPHRENIA PHENYLPYRUVICA; Phenylketonurias; FOLLING DISEASE. Identifiers: Orphanet 716, MedGen C0031485, MONDO:0009861, OMIM 261600. Disease mechanism: loss of function.

Allele frequency attached by ClinVar (database versions not stated): gnomAD exomes below 0.00001 and 0.00001.
gnomAD v4.1: 7 of 1,609,444 alleles (0.00043%); highest among the groups gnomAD compares: Non-Finnish European, 0.0006%; no homozygotes.

Submissions (8):

ClinGen PAH Variant Curation Expert Panel
Classification: Likely pathogenic for Phenylketonuria. Last evaluated: 2020-02-23. Review status: reviewed by expert panel. Criteria: ClinGen PAH ACMG Specifications v1. Collection method: curation. Allele origin: germline. Inheritance: Autosomal recessive inheritance.
Comment: The c.974A>G (p.Tyr325Cys) variant in PAH has been reported in multiple individuals with PKU (BH4 deficiency excluded). It was detected with pathogenic/LP variants p.L194P (LP) PMID: 23430918 L348V (P) PMID: 10679941 p.P281L (LP) PMID: 22526846 p.R408W (P) with parental analysis not reported for 1.5 points. This variant has extremely low frequency in gnomAD (MAF=0.00001). Computational evidence supports a a deleterious effect. In summary, this variant meets criteria to be classified as likely pathogenic for PAH. PAH-specific ACMG/AMP criteria applied: PP4_Moderate, PM2, PM3, PP3.

CeGaT Center for Human Genetics Tuebingen
Classification: Pathogenic. Last evaluated: 2026-02-01. Review status: criteria provided, single submitter. Criteria: CeGaT Center For Human Genetics Tuebingen Variant Classification Criteria Version 2. Collection method: clinical testing. Allele origin: germline. Affected: yes. Observed: 1 variant allele. Not counted in ClinVar's aggregate classification.
Comment: PAH: PM3:Very Strong, PM2, PM5, PP4:Moderate, PP3

Natera, Inc.
Classification: Pathogenic for Phenylketonuria. Last evaluated: 2025-10-16. Review status: criteria provided, single submitter. Criteria: Natera Variant Classification Schema (03/2026). Collection method: clinical testing. Allele origin: germline. Not counted in ClinVar's aggregate classification.
Comment: The c.974A>G variant in PAH is a missense variant predicted to cause substitution of tyrosine to cysteine at amino acid 325. This variant is rare in the general population with a frequency below the threshold expected for the associated phenotype(s). This variant has been observed in one or more individuals affected with the associated recessive disease, as either homozygous or compound heterozygous with a second variant (PMID: 22526846, 10679941, 23430918). This variant has been identified in one or more affected individuals with a phenotype highly consistent with the associated gene (PMID: 23430918). This variant is located in a functionally critical region of the protein. Computational prediction algorithms indicate this variant is likely to affect gene or protein function. Given the available evidence, this variant is classified as Pathogenic.

GeneDx
Classification: Pathogenic. Last evaluated: 2025-08-27. Review status: criteria provided, single submitter. Criteria: GeneDx Variant Classification Process June 2021. Collection method: clinical testing. Allele origin: germline. Affected: yes. Not counted in ClinVar's aggregate classification.
Comment: Not observed at significant frequency in large population cohorts (gnomAD); In silico analysis, which includes protein predictors and evolutionary conservation, supports a deleterious effect; It is currently unknown whether or not this variant is associated with tetrahydrobiopterin (BH4) responsiveness (PMID: 23430918); This variant is associated with the following publications: (PMID: 24350308, 10679941, 29997390, 23357515, 23430918, 22526846, 32668217)

Labcorp Genetics (formerly Invitae), Labcorp
Classification: Pathogenic for Phenylketonuria. Last evaluated: 2025-02-10. Review status: criteria provided, single submitter. Criteria: Invitae Variant Classification Sherloc (09022015). Collection method: clinical testing. Allele origin: germline. Not counted in ClinVar's aggregate classification.
Comment: This sequence change replaces tyrosine, which is neutral and polar, with cysteine, which is neutral and slightly polar, at codon 325 of the PAH protein (p.Tyr325Cys). This variant is present in population databases (rs62508578, gnomAD 0.0009%). This missense change has been observed in individual(s) with hyperphenylalaninemia (PMID: 10679941, 32668217; BIOPKU). In at least one individual the data is consistent with being in trans (on the opposite chromosome) from a pathogenic variant. ClinVar contains an entry for this variant (Variation ID: 92756). Invitae Evidence Modeling of protein sequence and biophysical properties (such as structural, functional, and spatial information, amino acid conservation, physicochemical variation, residue mobility, and thermodynamic stability) indicates that this missense variant is expected to disrupt PAH protein function with a positive predictive value of 80%. For these reasons, this variant has been classified as Pathogenic.

Eurofins Ntd Llc (ga)
Classification: Pathogenic. Last evaluated: 2012-08-14. Review status: criteria provided, single submitter. Criteria: EGL Classification Definitions 2015. Collection method: clinical testing. Allele origin: germline. Observed: 3 variant alleles, 3 heterozygotes. Not counted in ClinVar's aggregate classification.

Counsyl
Classification: Likely pathogenic for Phenylketonuria. Last evaluated: 2017-12-28. Review status: no assertion criteria provided. Collection method: clinical testing. Allele origin: unknown. Not counted in ClinVar's aggregate classification.

DeBelle Laboratory for Biochemical Genetics, MUHC/MCH RESEARCH INSTITUTE
No classification provided. Review status: no classification provided. Collection method: not provided. Allele origin: not provided. Not counted in ClinVar's aggregate classification.

Literature cited by the submitters: PubMed 24350308 (cited by ClinGen PAH Variant Curation Expert Panel and Counsyl); PubMed 23430918 (cited by 3 submitters); PubMed 10679941 (cited by 4 submitters); PubMed 22526846 (cited by 3 submitters); PubMed 32668217 (cited by Labcorp Genetics (formerly Invitae), Labcorp); PubMed 23357515 (cited by Counsyl).

NM_000277.3(PAH):c.974A>G (p.Tyr325Cys)

Gene: PAH (phenylalanine hydroxylase; minus strand). Cytogenetic location: 12q23.2.
Variant type: single nucleotide variant.
Coding change: c.974A>G on transcript NM_000277.3 (MANE Select); coding-DNA position 974, A replaced by G.
Protein change: p.Tyr325Cys; replaces tyrosine 325 with cysteine.
Molecular consequence: missense variant.
Genome position (GRCh38, 1-based): chr12:102,844,427, T>C on the plus strand (A>G on the coding strand, the complement: PAH is on the minus strand). VCF-style: chr12-102844427-T-C. GRCh37 (hg19) VCF-style: chr12-103238205-T-C.
Other names: c.974A>G, p.Tyr325Cys (NM_001354304.2); c.974A>G (NM_000277.2); short protein forms Y325C.
Identifiers: ClinVar variation 92756 (VCV000092756.34), dbSNP rs62508578, ClinGen allele CA220593.